The following is an entry in ClinVar:

ClinVar aggregate classification (germline): Likely benign (1 of 4 stars; one submission).

Conditions:
Tuberous sclerosis 2 (TSC2). Identifiers: Orphanet 805, MedGen C1860707, MONDO:0013199, OMIM 613254.

gnomAD v4.1: 2 of 1,614,152 alleles (0.00012%); highest among the groups gnomAD compares: South Asian, 0.0011%; no homozygotes.

Submission:

Myriad Genetics, Inc.
Classification: Likely benign for Tuberous sclerosis 2. Last evaluated: 2025-05-02. Review status: criteria provided, single submitter. Criteria: Myriad Autosomal Dominant, Autosomal Recessive and X-Linked Classification Criteria (2023). Collection method: clinical testing. Allele origin: unknown.
Comment: This variant is considered likely benign. This variant is intronic and is not expected to impact mRNA splicing.

NM_000548.5(TSC2):c.337-19C>T

Gene: TSC2 (TSC complex subunit 2; plus strand). Cytogenetic location: 16p13.3.
Variant type: single nucleotide variant.
Coding change: c.337-19C>T on transcript NM_000548.5 (MANE Select); 19 bases into the intron before coding-DNA position 337, C replaced by T.
Molecular consequence: intron variant.
Genome position (GRCh38, 1-based): chr16:2,054,277, C>T. VCF-style: chr16-2054277-C-T. GRCh37 (hg19) VCF-style: chr16-2104278-C-T.
Other names: c.-1311-19C>T (NM_001406693.1); c.427-19C>T (NM_001406667.1, NM_001406668.1); c.-480-19C>T (NM_001406680.1, NM_001406683.1, NM_001406687.1); c.-1095-19C>T (NM_001406689.1, NM_001406690.1, NM_001406692.1 and 2 more transcripts); c.-1271-19C>T (NM_001406698.1); c.337-19C>T (NM_001114382.3, NM_001406663.1, NM_001406664.1 and 8 more transcripts); c.-976-19C>T (NM_001406694.1, NM_001406695.1); c.-1083-19C>T (NM_001406696.1); and 6 more.
Identifiers: ClinVar variation 4071157 (VCV004071157.1).